The following is an entry in ClinVar:

ClinVar aggregate classification (germline): Likely benign. Review status: criteria provided, multiple submitters, no conflicts (2 of 4 stars). 2 submissions from 2 submitters: Likely benign (2). Last evaluated 2026-01-15.

Conditions:
Saldino-Mainzer syndrome (SRTD9). Also called: SHORT-RIB THORACIC DYSPLASIA 9 WITHOUT POLYDACTYLY; short-rib thoracic dysplasia 9 with or without polydactyly; Renal dysplasia, retinal pigmentary dystrophy, cerebellar ataxia and skeletal dysplasia; CONORENAL SYNDROME. Identifiers: Orphanet 140969, MedGen C1849437, MONDO:0009964, OMIM 266920.
IFT140-related disorder. Also called: IFT140-related condition.

Allele frequency attached by ClinVar (database versions not stated): gnomAD exomes 0.00001 and 0.00004; ExAC 0.00002; gnomAD 0.00002; TOPMed 0.00003.
gnomAD v4.1: 24 of 1,614,118 alleles (0.0015%); highest among the groups gnomAD compares: East Asian, 0.011%; no homozygotes.

Submissions (2):

Labcorp Genetics (formerly Invitae), Labcorp
Classification: Likely benign for Saldino-Mainzer syndrome. Last evaluated: 2026-01-15. Review status: criteria provided, single submitter. Criteria: Invitae Variant Classification Sherloc (09022015). Collection method: clinical testing. Allele origin: germline.

PreventionGenetics, part of Exact Sciences
Classification: Likely benign for IFT140-related condition. Last evaluated: 2025-06-24. Review status: criteria provided, single submitter. Criteria: ACMG Guidelines, 2015. Collection method: clinical testing. Allele origin: germline.
Comment: This variant is classified as likely benign based on ACMG/AMP sequence variant interpretation guidelines (Richards et al. 2015 PMID: 25741868, with internal and published modifications).

NM_014714.4(IFT140):c.423G>A (p.Thr141=)

Genes: IFT140 (intraflagellar transport 140; minus strand), LOC105371046 (uncharacterized LOC105371046; plus strand). Cytogenetic location: 16p13.3.
Variant type: single nucleotide variant.
Coding change: c.423G>A on transcript NM_014714.4 (MANE Select); coding-DNA position 423, G replaced by A.
Protein change: p.Thr141=; no amino-acid change (threonine 141 retained).
Molecular consequence: synonymous variant.
Genome position (GRCh38, 1-based): chr16:1,592,535, C>T on the plus strand (G>A on the coding strand, the complement: IFT140 is on the minus strand). VCF-style: chr16-1592535-C-T. GRCh37 (hg19) VCF-style: chr16-1642536-C-T.
Identifiers: ClinVar variation 766948 (VCV000766948.9), dbSNP rs769704872, ClinGen allele CA7814708.